The following is an entry in ClinVar:

NM_000038.6(APC):c.6286T>G (p.Ser2096Ala)

Gene: APC (APC regulator of Wnt signaling pathway; plus strand). Cytogenetic location: 5q22.2.
Variant type: single nucleotide variant.
Coding change: c.6286T>G on transcript NM_000038.6 (MANE Select); coding-DNA position 6286, T replaced by G.
Protein change: p.Ser2096Ala; replaces serine 2096 with alanine.
Molecular consequence: missense variant.
Genome position (GRCh38, 1-based): chr5:112,841,880, T>G. VCF-style: chr5-112841880-T-G. GRCh37 (hg19) VCF-style: chr5-112177577-T-G.
Other names: c.6286T>G, p.Ser2096Ala (NM_001127510.3, NM_001354895.2); c.6232T>G, p.Ser2078Ala (NM_001127511.3); c.6340T>G, p.Ser2114Ala (NM_001354896.2); c.6316T>G, p.Ser2106Ala (NM_001354897.2); c.6211T>G, p.Ser2071Ala (NM_001354898.2); c.6202T>G, p.Ser2068Ala (NM_001354899.2); c.6163T>G, p.Ser2055Ala (NM_001354900.2); c.6109T>G, p.Ser2037Ala (NM_001354901.2); and 5 more; short protein forms S2068A, S2078A, S2096A, S1936A, S1995A, S2071A, S1813A, S1970A.
Identifiers: ClinVar variation 648551 (VCV000648551.11), dbSNP rs1240136303, ClinGen allele CA16035094.

ClinVar aggregate classification (germline): Uncertain significance. Review status: criteria provided, multiple submitters, no conflicts (2 of 4 stars). 2 submissions from 2 submitters: Uncertain significance (2). Last evaluated 2026-07-02.

Conditions:
Hereditary cancer-predisposing syndrome. Also called: Neoplastic Syndromes, Hereditary; Hereditary Cancer Syndrome; Hereditary neoplastic syndrome; Tumor predisposition. Identifiers: Orphanet 140162, MedGen C0027672, MeSH D009386, MONDO:0015356.
Familial adenomatous polyposis 1 (FAP1). Also called: POLYPOSIS, ADENOMATOUS INTESTINAL; FAMILIAL ADENOMATOUS POLYPOSIS 1, ATTENUATED. Identifiers: MedGen C2713442, MONDO:0021056, OMIM 175100. Disease mechanism: loss of function.

Submissions (2):

Ambry Genetics
Classification: Uncertain significance for Hereditary cancer-predisposing syndrome. Last evaluated: 2026-07-02. Review status: criteria provided, single submitter. Criteria: Ambry Variant Classification Scheme 2023. Collection method: clinical testing. Allele origin: germline.
Comment: The p.S2096A variant (also known as c.6286T>G), located in coding exon 15 of the APC gene, results from a T to G substitution at nucleotide position 6286. The serine at codon 2096 is replaced by alanine, an amino acid with similar properties. This amino acid position is conserved. In addition, in silico predictors for this gene do not accurately predict pathogenicity. Based on the available evidence, the clinical significance of this variant remains unclear.

Labcorp Genetics (formerly Invitae), Labcorp
Classification: Uncertain significance for Familial adenomatous polyposis 1. Last evaluated: 2022-08-20. Review status: criteria provided, single submitter. Criteria: Invitae Variant Classification Sherloc (09022015). Collection method: clinical testing. Allele origin: germline.
Comment: This variant has not been reported in the literature in individuals affected with APC-related conditions. This variant is not present in population databases (gnomAD no frequency). This sequence change replaces serine, which is neutral and polar, with alanine, which is neutral and non-polar, at codon 2096 of the APC protein (p.Ser2096Ala). ClinVar contains an entry for this variant (Variation ID: 648551). In summary, the available evidence is currently insufficient to determine the role of this variant in disease. Therefore, it has been classified as a Variant of Uncertain Significance. Algorithms developed to predict the effect of missense changes on protein structure and function (SIFT, PolyPhen-2, Align-GVGD) all suggest that this variant is likely to be disruptive.